The following is an entry in ClinVar:

ClinVar aggregate classification (germline): Uncertain significance. Review status: criteria provided, multiple submitters, no conflicts (2 of 4 stars). 2 submissions from 2 submitters: Uncertain significance (2). Last evaluated 2025-12-08.

Conditions:
SLC10A2-related disorder. Also called: SLC10A2-related condition.

gnomAD v4.1: 8 of 1,613,958 alleles (0.0005%); highest among the groups gnomAD compares: Middle Eastern, 0.016%; no homozygotes.

Submissions (2):

PreventionGenetics, part of Exact Sciences
Classification: Uncertain significance for SLC10A2-related condition. Last evaluated: 2025-12-08. Review status: criteria provided, single submitter. Criteria: ACMG Guidelines, 2015. Collection method: clinical testing. Allele origin: germline.
Comment: The SLC10A2 c.818T>C variant is predicted to result in the amino acid substitution p.Ile273Thr. To our knowledge, this variant has not been reported in the literature. This variant is reported in 0.00088% of alleles in individuals of European (Non-Finnish) descent in gnomAD. At this time, the clinical significance of this variant is uncertain due to the absence of conclusive functional and genetic evidence.

Ambry Genetics
Classification: Uncertain significance. Last evaluated: 2025-08-31. Review status: criteria provided, single submitter. Criteria: Ambry Variant Classification Scheme 2023. Collection method: clinical testing. Allele origin: germline.

NM_000452.3(SLC10A2):c.818T>C (p.Ile273Thr)

Gene: SLC10A2 (solute carrier family 10 member 2; minus strand). Cytogenetic location: 13q33.1.
Variant type: single nucleotide variant.
Coding change: c.818T>C on transcript NM_000452.3 (MANE Select); coding-DNA position 818, T replaced by C.
Protein change: p.Ile273Thr; replaces isoleucine 273 with threonine.
Molecular consequence: missense variant.
Genome position (GRCh38, 1-based): chr13:103,049,390, A>G on the plus strand (T>C on the coding strand, the complement: SLC10A2 is on the minus strand). VCF-style: chr13-103049390-A-G. GRCh37 (hg19) VCF-style: chr13-103701740-A-G.
Other names: short protein forms I273T.
Identifiers: ClinVar variation 4165860 (VCV004165860.2).
Genomic context (GRCh38, chr13:103,049,390, plus strand): 5'-TAGATGAGCGGGAAGGTGAATACGACATTGAGCTCCTCAGGAGTGAAGGAGAGCTGAACG[A>G]TGGTGGAACATAGCTGCGTGTTCTGCATCCCCGTTTCAAAAGCAACCGTTCGGCACCTAA-3'
Protein context (NP_000443.2, residues 263-283): GMQNTQLCST[Ile273Thr]VQLSFTPEEL